The following is an entry in ClinVar:

ClinVar aggregate classification (germline): Pathogenic (1 of 4 stars; one submission).

Submission:

GeneDx
Classification: Pathogenic. Last evaluated: 2021-11-15. Review status: criteria provided, single submitter. Criteria: GeneDx Variant Classification Process June 2021. Collection method: clinical testing. Allele origin: germline. Affected: yes.
Comment: Frameshift variant predicted to result in protein truncation or nonsense mediated decay in a gene for which loss-of-function is a known mechanism of disease; Not observed at significant frequency in large population cohorts (gnomAD); This variant is associated with the following publications: (PMID: 30952489)

NM_004187.5(KDM5C):c.2427_2430del (p.Glu810fs)

Gene: KDM5C (lysine demethylase 5C; minus strand). Cytogenetic location: Xp11.22.
Variant type: Deletion.
Coding change: c.2427_2430del on transcript NM_004187.5 (MANE Select); coding-DNA positions 2427 to 2430, 4 bases deleted (TGAG; older notation c.2427_2430delTGAG).
Protein change: p.Glu810fs; shifts the reading frame from glutamic acid 810.
Molecular consequence: frameshift variant. On other transcripts: non-coding transcript variant (3).
Genome position (GRCh38, 1-based): chrX:53,198,576-53,198,579, CTCA deleted on the plus strand (TGAG on the coding strand, the reverse complement: KDM5C is on the minus strand); deleting any 4 consecutive bases within chrX:53,198,576-53,198,581 gives the same sequence; the c. name uses the placement nearest the transcript's 3' end. VCF-style (leftmost placement, unchanged base first): chrX-53198575-GCTCA-G. GRCh37 (hg19) VCF-style: chrX-53227757-GCTCA-G.
Other names: c.2226_2229del, p.Glu743fs (NM_001146702.2); c.2424_2427del, p.Glu809fs (NM_001282622.3, NM_001353979.2, NM_001353982.2); c.2427_2430del, p.Glu810fs (NM_001353978.3, NM_001353981.2, NM_001353984.2); short protein forms E743fs, E809fs, E810fs.
Identifiers: ClinVar variation 1684146 (VCV001684146.3), dbSNP rs2146848829, ClinGen allele CA2573158970.